The following is an entry in ClinVar:

NM_212482.4(FN1):c.1169C>T (p.Ser390Leu)

Genes: FN1 (fibronectin 1; minus strand), LOC126806498 (CDK7 strongly-dependent group 2 enhancer GRCh37_chr2:216288045-216289244; plus strand). Cytogenetic location: 2q35.
Variant type: single nucleotide variant.
Coding change: c.1169C>T on transcript NM_212482.4 (MANE Select); coding-DNA position 1169, C replaced by T.
Protein change: p.Ser390Leu; replaces serine 390 with leucine.
Molecular consequence: missense variant.
Genome position (GRCh38, 1-based): chr2:215,424,193, G>A on the plus strand (C>T on the coding strand, the complement: FN1 is on the minus strand). VCF-style: chr2-215424193-G-A. GRCh37 (hg19) VCF-style: chr2-216288916-G-A.
Other names: c.1169C>T, p.Ser390Leu (NM_001306131.2, NM_001306132.2, NM_001365517.2 and 14 more transcripts); c.1169C>T (NM_212482.2); short protein forms S390L.
Identifiers: ClinVar variation 1017559 (VCV001017559.10), dbSNP rs201876289, ClinGen allele CA2095364.

ClinVar aggregate classification (germline): Likely benign. Review status: criteria provided, multiple submitters, no conflicts (2 of 4 stars). 4 submissions from 4 submitters: Likely benign (4). Last evaluated 2025-01-22.

Conditions:
Glomerulopathy with fibronectin deposits 2 (GFND2). Identifiers: Orphanet 84090, MedGen C1866075, MONDO:0011165, OMIM 601894.
Spondylometaphyseal dysplasia - Sutcliffe type. Also called: Sutcliffe type of spondylometaphyseal dysplasia; Sutcliffe SMD; Spondylometaphyseal Dysplasia, Corner Fracture Type; Spondylometaphyseal dysplasia, 'corner fracture' type. Identifiers: Orphanet 93315, MedGen C0432221, MONDO:0008479, OMIM 184255.
FN1-related disorder. Also called: FN1-related condition.

Allele frequency attached by ClinVar (database versions not stated): TOPMed 0.00007; gnomAD 0.00013 and 0.00014; gnomAD exomes 0.00017 and 0.00026; ExAC 0.00044.
gnomAD v4.1: 282 of 1,614,060 alleles (0.017%); highest among the groups gnomAD compares: Non-Finnish European, 0.019%; no homozygotes.

Submissions (4):

PreventionGenetics, part of Exact Sciences
Classification: Likely benign for FN1-related condition. Last evaluated: 2025-01-22. Review status: criteria provided, single submitter. Criteria: ACMG Guidelines, 2015. Collection method: clinical testing. Allele origin: germline.
Comment: This variant is classified as likely benign based on ACMG/AMP sequence variant interpretation guidelines (Richards et al. 2015 PMID: 25741868, with internal and published modifications).

Labcorp Genetics (formerly Invitae), Labcorp
Classification: Likely benign. Last evaluated: 2025-01-01. Review status: criteria provided, single submitter. Criteria: Invitae Variant Classification Sherloc (09022015). Collection method: clinical testing. Allele origin: germline.

Blueprint Genetics
Classification: Likely benign. Last evaluated: 2024-09-03. Review status: criteria provided, single submitter. Criteria: ACMG Guidelines, 2015. Collection method: clinical testing. Allele origin: germline.

Department of Pathology and Laboratory Medicine, Sinai Health System
Classification: Likely benign for Spondylometaphyseal dysplasia - Sutcliffe type; Glomerulopathy with fibronectin deposits 2. Last evaluated: 2021-07-30. Review status: criteria provided, single submitter. Criteria: ACMG Guidelines, 2015. Collection method: research. Allele origin: germline.